The following is an entry in ClinVar:

NM_003260.5(TLE2):c.2088C>T (p.Asn696=)

Gene: TLE2 (TLE family member 2, transcriptional corepressor; minus strand). Cytogenetic location: 19p13.3.
Variant type: single nucleotide variant.
Coding change: c.2088C>T on transcript NM_003260.5 (MANE Select); coding-DNA position 2088, C replaced by T.
Protein change: p.Asn696=; no amino-acid change (asparagine 696 retained).
Molecular consequence: synonymous variant. On other transcripts: intron variant (1).
Genome position (GRCh38, 1-based): chr19:3,000,683, G>A on the plus strand (C>T on the coding strand, the complement: TLE2 is on the minus strand). VCF-style: chr19-3000683-G-A. GRCh37 (hg19) VCF-style: chr19-3000681-G-A.
Other names: c.1722C>T, p.Asn574= (NM_001144762.2); c.2091C>T, p.Asn697= (NM_001300846.2); c.2089+1670C>T (NM_001144761.2).
Identifiers: ClinVar variation 2648981 (VCV002648981.24), dbSNP rs376590696, ClinGen allele CA9073400.

ClinVar aggregate classification (germline): Likely benign (1 of 4 stars; one submission).

Allele frequency attached by ClinVar (database versions not stated): TOPMed 0.00003; gnomAD 0.00004; ExAC 0.00005; gnomAD exomes 0.00006; ESP Exome Variant Server 0.00016.
gnomAD v4.1: 92 of 1,594,020 alleles (0.0058%); highest among the groups gnomAD compares: South Asian, 0.011%; no homozygotes.

Submission:

CeGaT Center for Human Genetics Tuebingen
Classification: Likely benign. Last evaluated: 2022-11-01. Review status: criteria provided, single submitter. Criteria: CeGaT Center For Human Genetics Tuebingen Variant Classification Criteria Version 2. Collection method: clinical testing. Allele origin: germline. Affected: yes. Observed: 1 variant allele.
Comment: TLE2: BP4, BP7